The following is an entry in ClinVar:

ClinVar aggregate classification (germline): Uncertain significance. Review status: criteria provided, multiple submitters, no conflicts (2 of 4 stars). 2 submissions from 2 submitters: Uncertain significance (2). Last evaluated 2026-06-02.

Conditions:
MITF-related disorder. Also called: MITF-related condition.
Tietz syndrome (TADS). Also called: TIETZ ALBINISM-DEAFNESS SYNDROME; ALBINISM-DEAFNESS OF TIETZ; HYPOPIGMENTATION/DEAFNESS OF TIETZ. Identifiers: Orphanet 42665, MedGen C0391816, MONDO:0007077, OMIM 103500.
Waardenburg syndrome type 2A (WS2A). Also called: WAARDENBURG SYNDROME WITHOUT DYSTOPIA CANTHORUM. Identifiers: Orphanet 3440, MedGen C1860339, MONDO:0008671, OMIM 193510.
Melanoma, cutaneous malignant, susceptibility to, 8. Also called: MELANOMA AND RENAL CELL CARCINOMA, SUSCEPTIBILITY TO; Cutaneous malignant melanoma 8. Identifiers: Orphanet 293822, MedGen C3152204, MONDO:0013759, OMIM 614456.

Allele frequency attached by ClinVar (database versions not stated): ExAC 0.00002; gnomAD exomes 0.00002; TOPMed 0.00002; gnomAD 0.00003; ESP Exome Variant Server 0.00008.
gnomAD v4.1: 32 of 1,613,970 alleles (0.002%); highest among the groups gnomAD compares: Non-Finnish European, 0.0026%; no homozygotes.

Submissions (2):

PreventionGenetics, part of Exact Sciences
Classification: Uncertain significance for MITF-related condition. Last evaluated: 2026-06-02. Review status: criteria provided, single submitter. Criteria: ACMG Guidelines, 2015. Collection method: clinical testing. Allele origin: germline.
Comment: The MITF c.1099C>T variant is predicted to result in the amino acid substitution p.Pro367Ser. To our knowledge, this variant has not been reported in the literature. This variant is reported in 0.0018% of alleles in individuals of European (Non-Finnish) descent in gnomAD. At this time, the clinical significance of this variant is uncertain due to the absence of conclusive functional and genetic evidence.

Labcorp Genetics (formerly Invitae), Labcorp
Classification: Uncertain significance for Melanoma, cutaneous malignant, susceptibility to, 8; Waardenburg syndrome type 2A; Tietz syndrome. Last evaluated: 2026-01-27. Review status: criteria provided, single submitter. Criteria: Invitae Variant Classification Sherloc (09022015). Collection method: clinical testing. Allele origin: germline.
Comment: This sequence change replaces proline, which is neutral and non-polar, with serine, which is neutral and polar, at codon 367 of the MITF protein (p.Pro367Ser). This variant is present in population databases (rs376069627, gnomAD 0.003%). This variant has not been reported in the literature in individuals affected with MITF-related conditions. ClinVar contains an entry for this variant (Variation ID: 2196416). Invitae Evidence Modeling of protein sequence and biophysical properties (such as structural, functional, and spatial information, amino acid conservation, physicochemical variation, residue mobility, and thermodynamic stability) indicates that this missense variant is not expected to disrupt MITF protein function with a negative predictive value of 80%. In summary, the available evidence is currently insufficient to determine the role of this variant in disease. Therefore, it has been classified as a Variant of Uncertain Significance.

NM_001354604.2(MITF):c.1420C>T (p.Pro474Ser)

Gene: MITF (melanocyte inducing transcription factor; plus strand). Cytogenetic location: 3p13.
Variant type: single nucleotide variant.
Coding change: c.1420C>T on transcript NM_001354604.2 (MANE Select); coding-DNA position 1420, C replaced by T.
Protein change: p.Pro474Ser; replaces proline 474 with serine.
Molecular consequence: missense variant.
Genome position (GRCh38, 1-based): chr3:69,965,087, C>T. VCF-style: chr3-69965087-C-T. GRCh37 (hg19) VCF-style: chr3-70014238-C-T.
Other names: c.1099C>T, p.Pro367Ser (NM_000248.4); c.1246C>T, p.Pro416Ser (NM_001184967.2, NM_001354608.2); c.1417C>T, p.Pro473Ser (NM_001354605.2); c.1399C>T, p.Pro467Ser (NM_001354606.2, NM_006722.3); c.1351C>T, p.Pro451Ser (NM_001354607.2); c.1081C>T, p.Pro361Ser (NM_198158.3); c.1402C>T, p.Pro468Ser (NM_198159.3); c.1354C>T, p.Pro452Ser (NM_198177.3); and 1 more; short protein forms P367S, P452S, P473S, P474S, P305S, P361S, P416S, P451S.
Identifiers: ClinVar variation 2196416 (VCV002196416.5), dbSNP rs376069627, ClinGen allele CA2490666.